The following is an entry in ClinVar:

NM_000532.5(PCCB):c.154_183+17del

Gene: PCCB (propionyl-CoA carboxylase subunit beta; plus strand). Cytogenetic location: 3q22.3.
Variant type: Deletion.
Coding change: c.154_183+17del on transcript NM_000532.5 (MANE Select); coding-DNA position 154 through 17 bases into the intron after coding-DNA position 183, 47 bases deleted.
Molecular consequence: splice donor variant.
Genome position (GRCh38, 1-based): chr3:136,250,529-136,250,575, 47 bases deleted; deleting any 47 consecutive bases within chr3:136,250,528-136,250,575 gives the same sequence; the c. name uses the placement nearest the transcript's 3' end. GRCh37 (hg19): chr3:135,969,371-135,969,417.
Other names: c.154_183+17del (NM_001178014.2).
Identifiers: ClinVar variation 1677112 (VCV001677112.1), dbSNP rs2108128051, ClinGen allele CA2573136599.

ClinVar aggregate classification (germline): Likely pathogenic (1 of 4 stars; one submission).

Conditions:
Propionic acidemia (PROP). Also called: GLYCINEMIA, KETOTIC; HYPERGLYCINEMIA WITH KETOACIDOSIS AND LEUKOPENIA; KETOTIC HYPERGLYCINEMIA. Identifiers: Orphanet 35, MedGen C0268579, MONDO:0011628, OMIM 606054, HP:0003571.

Submission:

Women's Health and Genetics/Laboratory Corporation of America, LabCorp
Classification: Likely pathogenic for Propionic acidemia. Last evaluated: 2022-03-15. Review status: criteria provided, single submitter. Criteria: LabCorp Variant Classification Summary - May 2015. Collection method: clinical testing. Allele origin: germline.
Comment: Variant summary: PCCB c.154_183+17del47 results in a deletion that spans across a canonical splice junction, potentially altering normal splicing. Four computational tools predict the variant abolishes the canonical 5' splicing donor site. However, these predictions have yet to be confirmed by functional studies. The variant was absent in 236986 control chromosomes (gnomAD). c.154_183+17del47 has been reported in the literature in at least one compound heterozygous individual affected with Propionic Acidemia (example, Lourdes_2006) and has been subsequently cited by others (example, Kraus_2012). To our knowledge, no experimental evidence demonstrating an impact on protein function has been reported. One ClinVar submitter has assessed the variant since 2014: the variant was classified as pathogenic. Based on the evidence outlined above, the variant was classified as likely pathogenic.

Literature cited by the submitters: PubMed 22033733; PubMed 17051315.